The following is an entry in ClinVar:

ClinVar aggregate classification (germline): Likely benign. Review status: criteria provided, single submitter (1 of 4 stars). 2 submissions from 2 submitters: Likely benign (1). 1 of the submissions does not count toward it. Last evaluated 2024-09-30.

Conditions:
Cardiovascular phenotype. Identifiers: MedGen CN230736.
GPIHBP1-related disorder. Also called: GPIHBP1-related condition.

Allele frequency attached by ClinVar (database versions not stated): gnomAD 0.00001; TOPMed 0.00002.
gnomAD v4.1: 7 of 1,611,818 alleles (0.00043%); highest among the groups gnomAD compares: Non-Finnish European, 0.00059%; no homozygotes.

Submissions (2):

Ambry Genetics
Classification: Likely benign for Cardiovascular phenotype. Last evaluated: 2024-09-30. Review status: criteria provided, single submitter. Criteria: Ambry Variant Classification Scheme 2023. Collection method: clinical testing. Allele origin: germline.

PreventionGenetics, part of Exact Sciences
Classification: Likely benign for GPIHBP1-related condition. Last evaluated: 2020-09-09. Review status: no assertion criteria provided. Collection method: clinical testing. Allele origin: germline. Not counted in ClinVar's aggregate classification.
Comment: This variant is classified as likely benign based on ACMG/AMP sequence variant interpretation guidelines (Richards et al. 2015 PMID: 25741868, with internal and published modifications).

NM_178172.6(GPIHBP1):c.504C>T (p.Leu168=)

Gene: GPIHBP1 (glycosylphosphatidylinositol anchored high density lipoprotein binding protein 1; plus strand). Cytogenetic location: 8q24.3.
Variant type: single nucleotide variant.
Coding change: c.504C>T on transcript NM_178172.6 (MANE Select); coding-DNA position 504, C replaced by T.
Protein change: p.Leu168=; no amino-acid change (leucine 168 retained).
Molecular consequence: synonymous variant. On other transcripts: intron variant (1).
Genome position (GRCh38, 1-based): chr8:143,215,467, C>T. VCF-style: chr8-143215467-C-T. GRCh37 (hg19) VCF-style: chr8-144297342-C-T.
Other names: c.375+129C>T (NM_001301772.2); c.504C>T (NM_178172.3).
Identifiers: ClinVar variation 3031717 (VCV003031717.3), dbSNP rs775697635, ClinGen allele CA463506925.